The following is an entry in ClinVar:

ClinVar aggregate classification (germline): Conflicting classifications of pathogenicity. Review status: criteria provided, conflicting classifications (1 of 4 stars). 3 submissions from 3 submitters: Uncertain significance (1); Likely benign (2). Last evaluated 2026-01-27.

Conditions:
Methylmalonic acidemia with homocystinuria, type cblX (MAHCX). Also called: INTELLECTUAL DEVELOPMENTAL DISORDER, X-LINKED 3. Identifiers: Orphanet 369962, MedGen C0796208, MONDO:0010657, OMIM 309541.

Allele frequency attached by ClinVar (database versions not stated): TOPMed 0.00019; ESP Exome Variant Server 0.00020; gnomAD exomes 0.00020; ExAC 0.00021; gnomAD 0.00028 and 0.00030.
gnomAD v4.1: 252 of 1,209,731 alleles (0.021%); highest among the groups gnomAD compares: Non-Finnish European, 0.025%; no homozygotes.

Submissions (3):

Labcorp Genetics (formerly Invitae), Labcorp
Classification: Likely benign for Methylmalonic acidemia with homocystinuria, type cblX. Last evaluated: 2026-01-27. Review status: criteria provided, single submitter. Criteria: Invitae Variant Classification Sherloc (09022015). Collection method: clinical testing. Allele origin: germline.

CeGaT Center for Human Genetics Tuebingen
Classification: Likely benign. Last evaluated: 2025-08-01. Review status: criteria provided, single submitter. Criteria: CeGaT Center For Human Genetics Tuebingen Variant Classification Criteria Version 2. Collection method: clinical testing. Allele origin: germline. Affected: yes. Observed: 2 variant alleles.
Comment: HCFC1: BP4, BS2

Eurofins Ntd Llc (ga)
Classification: Uncertain significance. Last evaluated: 2014-01-21. Review status: criteria provided, single submitter. Criteria: EGL Classification Definitions 2015. Collection method: clinical testing. Allele origin: germline. Observed: 2 variant alleles, 1 heterozygote, 1 hemizygote.

NM_005334.3(HCFC1):c.6042C>T (p.Asn2014=)

Gene: HCFC1 (host cell factor C1; minus strand). Cytogenetic location: Xq28.
Variant type: single nucleotide variant.
Coding change: c.6042C>T on transcript NM_005334.3 (MANE Select); coding-DNA position 6042, C replaced by T.
Protein change: p.Asn2014=; no amino-acid change (asparagine 2014 retained).
Molecular consequence: synonymous variant.
Genome position (GRCh38, 1-based): chrX:153,949,579, G>A on the plus strand (C>T on the coding strand, the complement: HCFC1 is on the minus strand). VCF-style: chrX-153949579-G-A. GRCh37 (hg19) VCF-style: chrX-153215030-G-A.
Identifiers: ClinVar variation 167164 (VCV000167164.23), dbSNP rs199953428, ClinGen allele CA234106.